The following is an entry in ClinVar:

ClinVar aggregate classification (germline): Uncertain significance (1 of 4 stars; one submission).

Conditions:
Epidermolysis bullosa simplex 5B, with muscular dystrophy (EBS5B). Also called: EPIDERMOLYSIS BULLOSA SIMPLEX AND LIMB-GIRDLE MUSCULAR DYSTROPHY; Epidermolysis bullosa simplex with muscular dystrophy. Identifiers: Orphanet 257, MedGen C2931072, MONDO:0009181, OMIM 226670.
Epidermolysis bullosa simplex, Ogna type (EBS5A). Also called: EPIDERMOLYSIS BULLOSA SIMPLEX 5A, OGNA TYPE; Pidermolysis bullosa simplex 5A, Ogna type. Identifiers: Orphanet 79401, MedGen C0432317, MONDO:0007555, OMIM 131950.
Epidermolysis bullosa simplex 5C, with pyloric atresia (EBS5C). Also called: PLEC-Related Epidermolysis Bullosa with Pyloric Atresia; Epidermolysis bullosa simplex with pyloric atresia; PLEC1-Related Epidermolysis Bullosa with Pyloric Atresia. Identifiers: Orphanet 158684, MedGen C2677349, MONDO:0012807, OMIM 612138.
Autosomal recessive limb-girdle muscular dystrophy type 2Q (LGMDR17). Also called: MUSCULAR DYSTROPHY, LIMB-GIRDLE, AUTOSOMAL RECESSIVE 17. Identifiers: Orphanet 254361, MedGen C3150989, MONDO:0013390, OMIM 613723.
Epidermolysis bullosa simplex with nail dystrophy (EBS5D). Identifiers: MedGen C4225309, MONDO:0014661, OMIM 616487.

Allele frequency attached by ClinVar (database versions not stated): gnomAD exomes 0.00001; TOPMed 0.00001.
gnomAD v4.1: 3 of 1,613,572 alleles (0.00019%); highest among the groups gnomAD compares: Non-Finnish European, 0.00025%; no homozygotes.

Submission:

Labcorp Genetics (formerly Invitae), Labcorp
Classification: Uncertain significance for Autosomal recessive limb-girdle muscular dystrophy type 2Q; Epidermolysis bullosa simplex, Ogna type; Epidermolysis bullosa simplex with nail dystrophy; Epidermolysis bullosa simplex 5C, with pyloric atresia; Epidermolysis bullosa simplex 5B, with muscular dystrophy. Last evaluated: 2023-12-10. Review status: criteria provided, single submitter. Criteria: Invitae Variant Classification Sherloc (09022015). Collection method: clinical testing. Allele origin: germline.
Comment: This sequence change replaces isoleucine, which is neutral and non-polar, with valine, which is neutral and non-polar, at codon 4074 of the PLEC protein (p.Ile4074Val). This variant is not present in population databases (gnomAD no frequency). This variant has not been reported in the literature in individuals affected with PLEC-related conditions. ClinVar contains an entry for this variant (Variation ID: 1982246). Advanced modeling of protein sequence and biophysical properties (such as structural, functional, and spatial information, amino acid conservation, physicochemical variation, residue mobility, and thermodynamic stability) performed at Invitae indicates that this missense variant is expected to disrupt PLEC protein function with a positive predictive value of 80%. In summary, the available evidence is currently insufficient to determine the role of this variant in disease. Therefore, it has been classified as a Variant of Uncertain Significance.

NM_201384.3(PLEC):c.12139A>G (p.Ile4047Val)

Gene: PLEC (plectin; minus strand). Cytogenetic location: 8q24.3.
Variant type: single nucleotide variant.
Coding change: c.12139A>G on transcript NM_201384.3 (MANE Select); coding-DNA position 12139, A replaced by G.
Protein change: p.Ile4047Val; replaces isoleucine 4047 with valine.
Molecular consequence: missense variant.
Genome position (GRCh38, 1-based): chr8:143,917,682, T>C on the plus strand (A>G on the coding strand, the complement: PLEC is on the minus strand). VCF-style: chr8-143917682-T-C. GRCh37 (hg19) VCF-style: chr8-144991850-T-C.
Other names: c.12220A>G, p.Ile4074Val (NM_000445.5); c.8839A>G, p.Ile2947Val (NM_001410941.1); c.12097A>G, p.Ile4033Val (NM_201378.4); c.12073A>G, p.Ile4025Val (NM_201379.3); c.12550A>G, p.Ile4184Val (NM_201380.4); c.12043A>G, p.Ile4015Val (NM_201381.3); c.12139A>G, p.Ile4047Val (NM_201382.4); c.12151A>G, p.Ile4051Val (NM_201383.3); short protein forms I4015V, I4025V, I4033V, I4051V, I4047V, I4074V, I2947V, I4184V.
Identifiers: ClinVar variation 1982246 (VCV001982246.4), dbSNP rs1345794578, ClinGen allele CA372485774.